The following is an entry in ClinVar:

NM_000553.6(WRN):c.1701T>A (p.Asn567Lys)

Gene: WRN (WRN RecQ like helicase; plus strand). Cytogenetic location: 8p12.
Variant type: single nucleotide variant.
Coding change: c.1701T>A on transcript NM_000553.6 (MANE Select); coding-DNA position 1701, T replaced by A.
Protein change: p.Asn567Lys; replaces asparagine 567 with lysine.
Molecular consequence: missense variant.
Genome position (GRCh38, 1-based): chr8:31,090,513, T>A. VCF-style: chr8-31090513-T-A. GRCh37 (hg19) VCF-style: chr8-30948029-T-A.
Other names: short protein forms N567K.
Identifiers: ClinVar variation 1382404 (VCV001382404.6), dbSNP rs1813705742, ClinGen allele CA370927046.
Genomic context (GRCh38, chr8:31,090,513, plus strand): 5'-TTCACCTTCAAGAGTTCAGTGGAAAGTGATTCATTCAGTATTAGAAGAAAGAAGAGATAA[T>A]GTTGCTGTCATGGCAACTGGTAAGTTGTACTTAAGCAAAACCTAATCCTTTAAAAAAATA-3'
Protein context (NP_000544.2, residues 557-577): IHSVLEERRD[Asn567Lys]VAVMATGYGK

ClinVar aggregate classification (germline): Uncertain significance (1 of 4 stars; one submission).

Conditions:
Werner syndrome (WRN). Identifiers: Orphanet 902, MedGen C0043119, MONDO:0010196, OMIM 277700.

Submission:

Labcorp Genetics (formerly Invitae), Labcorp
Classification: Uncertain significance for Werner syndrome. Last evaluated: 2021-03-26. Review status: criteria provided, single submitter. Criteria: Invitae Variant Classification Sherloc (09022015). Collection method: clinical testing. Allele origin: germline.
Comment: This sequence change replaces asparagine with lysine at codon 567 of the WRN protein (p.Asn567Lys). The asparagine residue is highly conserved and there is a moderate physicochemical difference between asparagine and lysine. In summary, the available evidence is currently insufficient to determine the role of this variant in disease. Therefore, it has been classified as a Variant of Uncertain Significance. Algorithms developed to predict the effect of missense changes on protein structure and function are either unavailable or do not agree on the potential impact of this missense change (SIFT: "Not Available"; PolyPhen-2: "Probably Damaging"; Align-GVGD: "Not Available"). This variant has not been reported in the literature in individuals with WRN-related conditions. This variant is not present in population databases (ExAC no frequency).